The following is an entry in ClinVar:

NM_024422.6(DSC2):c.111A>G (p.Leu37=)

Gene: DSC2 (desmocollin 2; minus strand). Cytogenetic location: 18q12.1.
Variant type: single nucleotide variant.
Coding change: c.111A>G on transcript NM_024422.6 (MANE Select); coding-DNA position 111, A replaced by G.
Protein change: p.Leu37=; no amino-acid change (leucine 37 retained).
Molecular consequence: synonymous variant.
Genome position (GRCh38, 1-based): chr18:31,093,602, T>C on the plus strand (A>G on the coding strand, the complement: DSC2 is on the minus strand). VCF-style: chr18-31093602-T-C. GRCh37 (hg19) VCF-style: chr18-28673565-T-C.
Other names: p.L37L:TTA>TTG; p.Leu37=; c.111A>G, p.Leu37= (NM_004949.5).
Identifiers: ClinVar variation 46163 (VCV000046163.38), dbSNP rs12954874, ClinGen allele CA022411.

ClinVar aggregate classification (germline): Benign. Review status: criteria provided, multiple submitters, no conflicts (2 of 4 stars). 18 submissions from 18 submitters: Benign (14). 4 of the submissions do not count toward it. Last evaluated 2026-02-04.

Conditions:
Cardiovascular phenotype. Identifiers: MedGen CN230736.
Familial isolated arrhythmogenic right ventricular dysplasia. Identifiers: Orphanet 217656, MedGen C4274968, MONDO:0016342.
Cardiomyopathy (CMYO). Also called: Cardiomyopathies. Identifiers: Orphanet 167848, MedGen C0878544, MONDO:0004994, HP:0001638. Inheritance: Various modes of inheritance.
Arrhythmogenic right ventricular dysplasia 11. Also called: Arrhythmogenic Right Ventricular Dysplasia/Cardiomyopathy11; ARRHYTHMOGENIC RIGHT VENTRICULAR DYSPLASIA, FAMILIAL, 11; Arrhythmogenic right ventricular dysplasia 11 with mild palmoplantar keratoderma and woolly hair. Identifiers: MedGen C1864850, MONDO:0012506, OMIM 610476.

Allele frequency attached by ClinVar (database versions not stated): gnomAD 0.10312 and 0.10569; ESP Exome Variant Server 0.10710; TOPMed 0.11244; ExAC 0.11273; gnomAD exomes 0.11505 and 0.11517; 1000 Genomes Project 0.12360; 1000 Genomes Project 30x 0.12586.
gnomAD v4.1: 183,167 of 1,601,644 alleles (11%); highest among the groups gnomAD compares: Middle Eastern, 17%; 11,157 homozygotes.

Submissions (18):

Labcorp Genetics (formerly Invitae), Labcorp
Classification: Benign for Arrhythmogenic right ventricular dysplasia 11. Last evaluated: 2026-02-04. Review status: criteria provided, single submitter. Criteria: Invitae Variant Classification Sherloc (09022015). Collection method: clinical testing. Allele origin: germline.

Blueprint Genetics
Classification: Benign. Last evaluated: 2024-11-28. Review status: criteria provided, single submitter. Criteria: ACMG Guidelines, 2015. Collection method: clinical testing. Allele origin: germline.

All of Us Research Program, National Institutes of Health
Classification: Benign for Familial isolated arrhythmogenic right ventricular dysplasia. Last evaluated: 2024-10-02. Review status: criteria provided, single submitter. Criteria: ACMG Guidelines, 2015. Collection method: clinical testing. Allele origin: germline. Inheritance: Autosomal dominant inheritance. Observed: 32,191 variant alleles, 30,118 heterozygotes, 2,064 homozygotes, 9 hemizygotes.
Comment: This study involves interpretation of variants in research participants for the purpose of population health screening. Participant phenotype was not available at the time of variant classification. Additional details can be found in publication PMID: 35346344, PMCID: PMC8962531

Color Diagnostics, LLC DBA Color Health
Classification: Benign for Cardiomyopathy. Last evaluated: 2018-03-16. Review status: criteria provided, single submitter. Criteria: ACMG Guidelines, 2015. Collection method: clinical testing. Allele origin: germline.

Illumina Laboratory Services, Illumina
Classification: Benign for Arrhythmogenic right ventricular dysplasia 11. Last evaluated: 2018-01-13. Review status: criteria provided, single submitter. Criteria: ICSL Variant Classification Criteria 13 December 2019. Collection method: clinical testing. Allele origin: germline.
Comment: This variant was observed in the ICSL laboratory as part of a predisposition screen in an ostensibly healthy population. It had not been previously curated by ICSL or reported in the Human Gene Mutation Database (HGMD: prior to June 1st, 2018), and was therefore a candidate for classification through an automated scoring system. Utilizing variant allele frequency, disease prevalence and penetrance estimates, and inheritance mode, an automated score was calculated to assess if this variant is too frequent to cause the disease. Based on the score and internal cut-off values, a variant classified as benign is not then subjected to further curation. The score for this variant resulted in a classification of benign for this disease.

Clinical Genetics DNA and cytogenetics Diagnostics Lab, Erasmus MC, Erasmus Medical Center
Classification: Benign for Arrhythmogenic right ventricular dysplasia 11. Last evaluated: 2015-09-21. Review status: criteria provided, single submitter. Criteria: ACGS Guidelines, 2013. Collection method: clinical testing. Allele origin: germline. Affected: yes. Study: VKGL Data-share Consensus.

Ambry Genetics
Classification: Benign for Cardiovascular phenotype. Last evaluated: 2015-03-09. Review status: criteria provided, single submitter. Criteria: Ambry Variant Classification Scheme 2023. Collection method: clinical testing. Allele origin: germline.

Genome Diagnostics Laboratory, University Medical Center Utrecht
Classification: Benign for Arrhythmogenic right ventricular dysplasia 11. Last evaluated: 2014-10-10. Review status: criteria provided, single submitter. Criteria: ACGS Guidelines, 2013. Collection method: clinical testing. Allele origin: germline. Affected: yes. Study: VKGL Data-share Consensus.

Mayo Clinic Laboratories, Mayo Clinic
Classification: Benign. Last evaluated: 2014-05-12. Review status: criteria provided, single submitter. Criteria: ACMG Guidelines, 2015. Collection method: clinical testing. Allele origin: germline. Observed: 273 variant alleles.

GeneDx
Classification: Benign. Last evaluated: 2013-03-20. Review status: criteria provided, single submitter. Criteria: GeneDx Variant Classification (06012015). Collection method: clinical testing. Allele origin: germline. Affected: yes.
Comment: This variant is considered likely benign or benign based on one or more of the following criteria: it is a conservative change, it occurs at a poorly conserved position in the protein, it is predicted to be benign by multiple in silico algorithms, and/or has population frequency not consistent with disease.

Laboratory for Molecular Medicine, Mass General Brigham Personalized Medicine
Classification: Benign. Last evaluated: 2011-06-08. Review status: criteria provided, single submitter. Criteria: LMM Criteria. Collection method: clinical testing. Allele origin: germline. Observed: 434 variant alleles.
Comment: This variant is considered to be benign because it does not change an amino acid and is frequent in the general population (rs12954874; MAF>1%)

Breakthrough Genomics
Classification: Benign. Review status: criteria provided, single submitter. Criteria: ACMG Guidelines, 2015. Collection method: not provided. Allele origin: germline. Inheritance: Autosomal dominant inheritance. Affected: yes.

Molecular Diagnostic Laboratory for Inherited Cardiovascular Disease, Montreal Heart Institute
Classification: Benign. Review status: criteria provided, single submitter. Criteria: ACMG Guidelines, 2015. Collection method: clinical testing. Allele origin: germline. Affected: yes.

PreventionGenetics, part of Exact Sciences
Classification: Benign. Review status: criteria provided, single submitter. Criteria: ACMG Guidelines, 2015. Collection method: clinical testing. Allele origin: germline.

Cohesion Phenomics
Classification: Benign for Cardiomyopathy. Last evaluated: 2022-10-10. Review status: no assertion criteria provided. Criteria: ACMG Guidelines, 2015. Collection method: clinical testing. Allele origin: germline. Affected: yes. Not counted in ClinVar's aggregate classification.

Clinical Genetics, Academic Medical Center
Classification: Benign. Review status: no assertion criteria provided. Collection method: clinical testing. Allele origin: germline. Affected: yes. Study: VKGL Data-share Consensus. Not counted in ClinVar's aggregate classification.

Diagnostic Laboratory, Department of Genetics, University Medical Center Groningen
Classification: Benign for Arrhythmogenic right ventricular dysplasia 11. Review status: no assertion criteria provided. Collection method: clinical testing. Allele origin: germline. Affected: yes. Study: VKGL Data-share Consensus. Not counted in ClinVar's aggregate classification.

Joint Genome Diagnostic Labs from Nijmegen and Maastricht, Radboudumc and MUMC+
Classification: Benign. Review status: no assertion criteria provided. Collection method: clinical testing. Allele origin: germline. Affected: yes. Study: VKGL Data-share Consensus. Not counted in ClinVar's aggregate classification.